The following is an entry in ClinVar:

ClinVar aggregate classification (germline): Uncertain significance (1 of 4 stars; one submission).

Conditions:
Pitt-Hopkins syndrome (PTHS). Also called: ENCEPHALOPATHY, SEVERE EPILEPTIC, WITH AUTONOMIC DYSFUNCTION; MENTAL RETARDATION, SYNDROMAL, WITH INTERMITTENT HYPERVENTILATION. Identifiers: Orphanet 2896, MedGen C1970431, MONDO:0012589, OMIM 610954.

Submission:

Labcorp Genetics (formerly Invitae), Labcorp
Classification: Uncertain significance for Pitt-Hopkins syndrome. Last evaluated: 2022-04-18. Review status: criteria provided, single submitter. Criteria: Invitae Variant Classification Sherloc (09022015). Collection method: clinical testing. Allele origin: germline.
Comment: In summary, the available evidence is currently insufficient to determine the role of this variant in disease. Therefore, it has been classified as a Variant of Uncertain Significance. Algorithms developed to predict the effect of missense changes on protein structure and function (SIFT, PolyPhen-2, Align-GVGD) all suggest that this variant is likely to be tolerated. This variant has not been reported in the literature in individuals affected with TCF4-related conditions. This variant is not present in population databases (gnomAD no frequency). This sequence change replaces glutamic acid, which is acidic and polar, with glutamine, which is neutral and polar, at codon 261 of the TCF4 protein (p.Glu261Gln).

NM_001083962.2(TCF4):c.781G>C (p.Glu261Gln)

Gene: TCF4 (transcription factor 4; minus strand). Cytogenetic location: 18q21.2.
Variant type: single nucleotide variant.
Coding change: c.781G>C on transcript NM_001083962.2 (MANE Select); coding-DNA position 781, G replaced by C.
Protein change: p.Glu261Gln; replaces glutamic acid 261 with glutamine.
Molecular consequence: missense variant.
Genome position (GRCh38, 1-based): chr18:55,275,627, C>G on the plus strand (G>C on the coding strand, the complement: TCF4 is on the minus strand). VCF-style: chr18-55275627-C-G. GRCh37 (hg19) VCF-style: chr18-52942858-C-G.
Other names: c.1087G>C, p.Glu363Gln (NM_001243226.3); c.709G>C, p.Glu237Gln (NM_001243227.2, NM_001348217.1, NM_001369583.1 and 9 more transcripts); c.799G>C, p.Glu267Gln (NM_001243228.2); c.775G>C, p.Glu259Gln (NM_001243230.2); c.655G>C, p.Glu219Gln (NM_001243231.2, NM_001348211.2); c.568G>C, p.Glu190Gln (NM_001243232.1, NM_001306208.1); c.391G>C, p.Glu131Gln (NM_001243233.2, NM_001330605.3, NM_001348212.2 and 1 more transcripts); c.301G>C, p.Glu101Gln (NM_001243234.2, NM_001243235.2, NM_001243236.2 and 2 more transcripts); and 4 more; short protein forms E101Q, E219Q, E260Q, E236Q, E237Q, E259Q, E261Q, E363Q.
Identifiers: ClinVar variation 2127696 (VCV002127696.4), dbSNP rs1555796693, ClinGen allele CA402701406.
Genomic context (GRCh38, chr18:55,275,627, plus strand): 5'-AGGTTTAATCAACTAGCTGTGACATTCCCGTTACCGTGTATGTCTGCCTTACCAAACGTT[C>G]ATGTGGATGCAGGCTACAGTAGCTGCTGGACTGTGGAATATGAGAAGAGTTGCCCAACAT-3'
Protein context (NP_001077431.1, residues 251-271): SSSYCSLHPH[Glu261Gln]RLSYPSHSSA